The following is an entry in ClinVar:

NM_001376.5(DYNC1H1):c.10485T>C (p.Thr3495=)

Gene: DYNC1H1 (dynein cytoplasmic 1 heavy chain 1; plus strand). Cytogenetic location: 14q32.31.
Variant type: single nucleotide variant.
Coding change: c.10485T>C on transcript NM_001376.5 (MANE Select); coding-DNA position 10485, T replaced by C.
Protein change: p.Thr3495=; no amino-acid change (threonine 3495 retained).
Molecular consequence: synonymous variant.
Genome position (GRCh38, 1-based): chr14:102,034,047, T>C. VCF-style: chr14-102034047-T-C. GRCh37 (hg19) VCF-style: chr14-102500384-T-C.
Other names: c.10485T>C (NM_001376.4).
Identifiers: ClinVar variation 1104908 (VCV001104908.12), dbSNP rs768458167, ClinGen allele CA7353422.
Genomic context (GRCh38, chr14:102,034,047, plus strand): 5'-CACTGCTCTTCTGAAGAGCTTGTCTGCTGAACGTGAACGATGGGAAAAAACAAGTGAAAC[T>C]TTCAAAAACCAGATGTCCACCATTGCTGGGGACTGTCTCTTGTCAGCTGCGTTCATTGCC-3'
Protein context (NP_001367.2, residues 3485-3505): ERERWEKTSE[Thr3495=]FKNQMSTIAG

ClinVar aggregate classification (germline): Likely benign. Review status: criteria provided, multiple submitters, no conflicts (2 of 4 stars). 3 submissions from 3 submitters: Likely benign (3). Last evaluated 2026-05-13.

Conditions:
DYNC1H1-related disorder. Also called: DYNC1H1-related condition; DYNC1H1-related disorders. Identifiers: MedGen CN381529.
Charcot-Marie-Tooth disease axonal type 2O. Also called: Charcot-Marie-Tooth Neuropathy Type 2O; Charcot-Marie-Tooth disease, axonal, type 20; CHARCOT-MARIE-TOOTH NEUROPATHY, AXONAL, TYPE 2O; CHARCOT-MARIE-TOOTH DISEASE, AXONAL, AUTOSOMAL DOMINANT, TYPE 2O. Identifiers: Orphanet 284232, MedGen C3280220, MONDO:0013644, OMIM 614228.

Allele frequency attached by ClinVar (database versions not stated): ExAC 0.00001; gnomAD 0.00001; gnomAD exomes 0.00001.
gnomAD v4.1: 7 of 1,614,026 alleles (0.00043%); highest among the groups gnomAD compares: Non-Finnish European, 0.00059%; no homozygotes.

Submissions (3):

PreventionGenetics, part of Exact Sciences
Classification: Likely benign for DYNC1H1-related condition. Last evaluated: 2026-05-13. Review status: criteria provided, single submitter. Criteria: ACMG Guidelines, 2015. Collection method: clinical testing. Allele origin: germline.
Comment: This variant is classified as likely benign based on ACMG/AMP sequence variant interpretation guidelines (Richards et al. 2015 PMID: 25741868, with internal and published modifications).

CeGaT Center for Human Genetics Tuebingen
Classification: Likely benign. Last evaluated: 2026-05-01. Review status: criteria provided, single submitter. Criteria: CeGaT Center For Human Genetics Tuebingen Variant Classification Criteria Version 2. Collection method: clinical testing. Allele origin: germline. Affected: yes. Observed: 1 variant allele.
Comment: DYNC1H1: BP4, BP7

Labcorp Genetics (formerly Invitae), Labcorp
Classification: Likely benign for Charcot-Marie-Tooth disease axonal type 2O. Last evaluated: 2024-11-30. Review status: criteria provided, single submitter. Criteria: Invitae Variant Classification Sherloc (09022015). Collection method: clinical testing. Allele origin: germline.